The following is an entry in ClinVar:

NM_001352754.2(ARMC9):c.725T>C (p.Ile242Thr)

Gene: ARMC9 (armadillo repeat containing 9; plus strand). Cytogenetic location: 2q37.1.
Variant type: single nucleotide variant.
Coding change: c.725T>C on transcript NM_001352754.2 (MANE Select); coding-DNA position 725, T replaced by C.
Protein change: p.Ile242Thr; replaces isoleucine 242 with threonine.
Molecular consequence: missense variant. On other transcripts: non-coding transcript variant (1).
Genome position (GRCh38, 1-based): chr2:231,235,326, T>C. VCF-style: chr2-231235326-T-C. GRCh37 (hg19) VCF-style: chr2-232100039-T-C.
Other names: c.725T>C, p.Ile242Thr (NM_001271466.4, NM_001291656.2, NM_001352755.2 and 5 more transcripts); c.725T>C (NM_025139.3); short protein forms I242T.
Identifiers: ClinVar variation 949471 (VCV000949471.6), dbSNP rs147777576, ClinGen allele CA2160027.

ClinVar aggregate classification (germline): Uncertain significance. Review status: criteria provided, multiple submitters, no conflicts (2 of 4 stars). 2 submissions from 2 submitters: Uncertain significance (2). Last evaluated 2025-05-01.

Conditions:
Inborn genetic diseases. Identifiers: MedGen C0950123, MeSH D030342.

Allele frequency attached by ClinVar (database versions not stated): 1000 Genomes Project 0.00040; ESP Exome Variant Server 0.00031; gnomAD exomes 0.00014; 1000 Genomes Project 30x 0.00047; TOPMed 0.00010; ExAC 0.00012.
gnomAD v4.1: 261 of 1,614,216 alleles (0.016%); highest among the groups gnomAD compares: Middle Eastern, 0.049%; no homozygotes.

Submissions (2):

Ambry Genetics
Classification: Uncertain significance for Inborn genetic diseases. Last evaluated: 2025-05-01. Review status: criteria provided, single submitter. Criteria: Ambry Variant Classification Scheme 2023. Collection method: clinical testing. Allele origin: germline.

Labcorp Genetics (formerly Invitae), Labcorp
Classification: Uncertain significance. Last evaluated: 2022-08-22. Review status: criteria provided, single submitter. Criteria: Invitae Variant Classification Sherloc (09022015). Collection method: clinical testing. Allele origin: germline.
Comment: This sequence change replaces isoleucine, which is neutral and non-polar, with threonine, which is neutral and polar, at codon 242 of the ARMC9 protein (p.Ile242Thr). This variant is present in population databases (rs147777576, gnomAD 0.04%). This variant has not been reported in the literature in individuals affected with ARMC9-related conditions. ClinVar contains an entry for this variant (Variation ID: 949471). In summary, the available evidence is currently insufficient to determine the role of this variant in disease. Therefore, it has been classified as a Variant of Uncertain Significance.